The following is an entry in ClinVar:

ClinVar aggregate classification (germline): Uncertain significance (1 of 4 stars; one submission).

Conditions:
Treacher Collins syndrome 1 (TCS1). Also called: TCOF1-Related Treacher Collins Syndrome. Identifiers: Orphanet 861, MedGen CN315775, MONDO:0007944, OMIM 154500.

Submission:

Labcorp Genetics (formerly Invitae), Labcorp
Classification: Uncertain significance for Treacher Collins syndrome 1. Last evaluated: 2022-08-22. Review status: criteria provided, single submitter. Criteria: Invitae Variant Classification Sherloc (09022015). Collection method: clinical testing. Allele origin: germline.
Comment: In summary, the available evidence is currently insufficient to determine the role of this variant in disease. Therefore, it has been classified as a Variant of Uncertain Significance. This variant has been observed in at least one individual who was not affected with TCOF1-related conditions (Invitae). This variant has not been reported in the literature in individuals affected with TCOF1-related conditions. This variant is not present in population databases (gnomAD no frequency). This variant, c.827_844dup, results in the insertion of 6 amino acid(s) of the TCOF1 protein (p.Gly276_Glu281dup), but otherwise preserves the integrity of the reading frame.

NM_001371623.1(TCOF1):c.827_844dup (p.Glu281_Glu282insGlySerGluSerGluGlu)

Gene: TCOF1 (treacle ribosome biogenesis factor 1; plus strand). Cytogenetic location: 5q32.
Variant type: Duplication.
Coding change: c.827_844dup on transcript NM_001371623.1 (MANE Select); coding-DNA positions 827 to 844, 18 bases duplicated (GATCTGAAAGTGAGGAGG).
Protein change: p.Glu281_Glu282insGlySerGluSerGluGlu.
Molecular consequence: inframe insertion. On other transcripts: intron variant (2).
Genome position (GRCh38, 1-based): chr5:150,372,193-150,372,210, GATCTGAAAGTGAGGAGG duplicated; duplicating any 18 consecutive bases within chr5:150,372,183-150,372,210 gives the same sequence; the c. name uses the placement nearest the transcript's 3' end. VCF-style (leftmost placement, unchanged base first): chr5-150372182-T-TAGTGAGGAGGGATCTGAA. GRCh37 (hg19) VCF-style: chr5-149751745-T-TAGTGAGGAGGGATCTGAA.
Other names: c.827_844dup, p.Glu281_Glu282insGlySerGluSerGluGlu (NM_001008657.3, NM_001135243.2, NM_001135244.2 and 1 more transcripts); c.640-1981_640-1964dup (NM_001135245.2, NM_000356.4).
Identifiers: ClinVar variation 2018965 (VCV002018965.4), dbSNP rs528897827, ClinGen allele CA2580073885.
Genomic context (GRCh38, chr5:150,372,182, plus strand): 5'-CAAAGGAGGGGCCCTGCCCCCAGCCAAGAGGGCCAAGAAGCCAGAAGAGGAGTCAGAGAG[T>TAGTGAGGAGGGATCTGAA]AGTGAGGAGGGATCTGAAAGTGAGGAGGAGGCCCCTGCAGGGACACGAAGCCAGGTGAGG-3'